The following is an entry in ClinVar:

NM_023110.3(FGFR1):c.1660G>A (p.Asp554Asn)

Gene: FGFR1 (fibroblast growth factor receptor 1; minus strand). Cytogenetic location: 8p11.23.
Variant type: single nucleotide variant.
Coding change: c.1660G>A on transcript NM_023110.3 (MANE Select); coding-DNA position 1660, G replaced by A.
Protein change: p.Asp554Asn; replaces aspartic acid 554 with asparagine.
Molecular consequence: missense variant.
Genome position (GRCh38, 1-based): chr8:38,417,309, C>T on the plus strand (G>A on the coding strand, the complement: FGFR1 is on the minus strand). VCF-style: chr8-38417309-C-T. GRCh37 (hg19) VCF-style: chr8-38274827-C-T.
Other names: c.1654G>A, p.Asp552Asn (NM_001174063.2, NM_001174065.2, NM_001354367.2 and 1 more transcripts); c.1630G>A, p.Asp544Asn (NM_001174064.2); c.1393G>A, p.Asp465Asn (NM_001174066.2, NM_023105.3); c.1753G>A, p.Asp585Asn (NM_001174067.2); c.1381G>A, p.Asp461Asn (NM_001354368.2); c.1648G>A, p.Asp550Asn (NM_001354369.2); c.1387G>A, p.Asp463Asn (NM_001354370.2, NM_023106.3); short protein forms D554N, D544N, D463N, D550N, D552N, D461N, D585N, D465N.
Identifiers: ClinVar variation 393139 (VCV000393139.2), dbSNP rs1057524808, ClinGen allele CA16605479.

ClinVar aggregate classification (germline): Uncertain significance (1 of 4 stars; one submission).

Submission:

GeneDx
Classification: Uncertain significance. Last evaluated: 2018-04-13. Review status: criteria provided, single submitter. Criteria: GeneDx Variant Classification (06012015). Collection method: clinical testing. Allele origin: germline. Affected: yes.
Comment: The D554N variant in the FGFR1 gene has not been reported previously as a pathogenic variant, nor as a benign variant, to our knowledge. This variant was not observed in approximately 6,400 individuals of European and African American ancestry in the NHLBI Exome Sequencing Project, indicating it is not a common benign variant in these populations. The D554N variant is a semi-conservative amino acid substitution, which may impact secondary protein structure as these residues differ in some properties. This substitution occurs at a position that is conserved across species, and in silico analysis predicts this variant is probably damaging to the protein structure/function. Based on currently available evidence, we interpret D554N as a variant of uncertain significance.